The following is an entry in ClinVar:

ClinVar aggregate classification (germline): Uncertain significance (1 of 4 stars; one submission).

Allele frequency attached by ClinVar (database versions not stated): gnomAD exomes below 0.00001.
gnomAD v4.1: 1 of 1,614,188 alleles (0.000062%); highest among the groups gnomAD compares: Non-Finnish European, 0.000085%; no homozygotes.

Submission:

Labcorp Genetics (formerly Invitae), Labcorp
Classification: Uncertain significance. Last evaluated: 2023-08-16. Review status: criteria provided, single submitter. Criteria: Invitae Variant Classification Sherloc (09022015). Collection method: clinical testing. Allele origin: germline.
Comment: An algorithm developed to predict the effect of missense changes on protein structure and function (PolyPhen-2) suggests that this variant is likely to be tolerated. This variant has not been reported in the literature in individuals affected with NEK2-related conditions. This variant is not present in population databases (gnomAD no frequency). This sequence change replaces asparagine, which is neutral and polar, with serine, which is neutral and polar, at codon 282 of the NEK2 protein (p.Asn282Ser). In summary, the available evidence is currently insufficient to determine the role of this variant in disease. Therefore, it has been classified as a Variant of Uncertain Significance.

NM_002497.4(NEK2):c.845A>G (p.Asn282Ser)

Gene: NEK2 (NIMA related kinase 2; minus strand). Cytogenetic location: 1q32.3.
Variant type: single nucleotide variant.
Coding change: c.845A>G on transcript NM_002497.4 (MANE Select); coding-DNA position 845, A replaced by G.
Protein change: p.Asn282Ser; replaces asparagine 282 with serine.
Molecular consequence: missense variant.
Genome position (GRCh38, 1-based): chr1:211,669,253, T>C on the plus strand (A>G on the coding strand, the complement: NEK2 is on the minus strand). VCF-style: chr1-211669253-T-C. GRCh37 (hg19) VCF-style: chr1-211842595-T-C.
Other names: c.845A>G, p.Asn282Ser (NM_001204182.2, NM_001204183.2); short protein forms N282S.
Identifiers: ClinVar variation 2777086 (VCV002777086.3), dbSNP rs948428346, ClinGen allele CA36822759.